The following is an entry in ClinVar:

ClinVar aggregate classification (germline): Uncertain significance (1 of 4 stars; one submission).

Allele frequency attached by ClinVar (database versions not stated): TOPMed 0.00001; ExAC 0.00004.
gnomAD v4.1: 13 of 1,614,132 alleles (0.00081%); highest among the groups gnomAD compares: Admixed American, 0.022%; no homozygotes.

Submission:

Labcorp Genetics (formerly Invitae), Labcorp
Classification: Uncertain significance. Last evaluated: 2025-10-21. Review status: criteria provided, single submitter. Criteria: Invitae Variant Classification Sherloc (09022015). Collection method: clinical testing. Allele origin: germline.
Comment: This sequence change replaces valine, which is neutral and non-polar, with alanine, which is neutral and non-polar, at codon 2770 of the KMT2A protein (p.Val2770Ala). This variant is present in population databases (rs782397511, gnomAD 0.03%). This variant has not been reported in the literature in individuals affected with KMT2A-related conditions. ClinVar contains an entry for this variant (Variation ID: 1407436). Invitae Evidence Modeling of protein sequence and biophysical properties (such as structural, functional, and spatial information, amino acid conservation, physicochemical variation, residue mobility, and thermodynamic stability) indicates that this missense variant is not expected to disrupt KMT2A protein function with a negative predictive value of 95%. In summary, the available evidence is currently insufficient to determine the role of this variant in disease. Therefore, it has been classified as a Variant of Uncertain Significance.

NM_001197104.2(KMT2A):c.8309T>C (p.Val2770Ala)

Gene: KMT2A (lysine methyltransferase 2A; plus strand). Cytogenetic location: 11q23.3.
Variant type: single nucleotide variant.
Coding change: c.8309T>C on transcript NM_001197104.2 (MANE Select); coding-DNA position 8309, T replaced by C.
Protein change: p.Val2770Ala; replaces valine 2770 with alanine.
Molecular consequence: missense variant.
Genome position (GRCh38, 1-based): chr11:118,504,201, T>C. VCF-style: chr11-118504201-T-C. GRCh37 (hg19) VCF-style: chr11-118374916-T-C.
Other names: c.8300T>C, p.Val2767Ala (NM_005933.4); short protein forms V2770A, V2767A.
Identifiers: ClinVar variation 1407436 (VCV001407436.6), dbSNP rs782397511, ClinGen allele CA6304486.